The following is an entry in ClinVar:

ClinVar aggregate classification (germline): Uncertain significance (1 of 4 stars; one submission).

Conditions:
Xanthinuria type II. Also called: Xanthine dehydrogenase and aldehyde oxidase combined deficiency of; XDH and AOX dual deficiency. Identifiers: Orphanet 3467, Orphanet 93602, MedGen C1863688, MONDO:0011346, OMIM 603592.

Allele frequency attached by ClinVar (database versions not stated): gnomAD 0.00005; 1000 Genomes Project 30x 0.00016; 1000 Genomes Project 0.00020; ExAC 0.00002; gnomAD exomes 0.00002; TOPMed 0.00003.
gnomAD v4.1: 35 of 1,614,174 alleles (0.0022%); highest among the groups gnomAD compares: East Asian, 0.025%; no homozygotes.

Submission:

Labcorp Genetics (formerly Invitae), Labcorp
Classification: Uncertain significance for Xanthinuria type II. Last evaluated: 2023-08-24. Review status: criteria provided, single submitter. Criteria: Invitae Variant Classification Sherloc (09022015). Collection method: clinical testing. Allele origin: germline.
Comment: This variant has not been reported in the literature in individuals affected with XDH-related conditions. This sequence change replaces arginine, which is basic and polar, with tryptophan, which is neutral and slightly polar, at codon 161 of the XDH protein (p.Arg161Trp). This variant is present in population databases (rs548839485, gnomAD 0.03%). An algorithm developed to predict the effect of missense changes on protein structure and function (PolyPhen-2) suggests that this variant¬†is likely to be tolerated. In summary, the available evidence is currently insufficient to determine the role of this variant in disease. Therefore, it has been classified as a Variant of Uncertain Significance.

NM_000379.4(XDH):c.481C>T (p.Arg161Trp)

Gene: XDH (xanthine dehydrogenase; minus strand). Cytogenetic location: 2p23.1.
Variant type: single nucleotide variant.
Coding change: c.481C>T on transcript NM_000379.4 (MANE Select); coding-DNA position 481, C replaced by T.
Protein change: p.Arg161Trp; replaces arginine 161 with tryptophan.
Molecular consequence: missense variant.
Genome position (GRCh38, 1-based): chr2:31,397,682, G>A on the plus strand (C>T on the coding strand, the complement: XDH is on the minus strand). VCF-style: chr2-31397682-G-A. GRCh37 (hg19) VCF-style: chr2-31620548-G-A.
Other names: short protein forms R161W.
Identifiers: ClinVar variation 2729453 (VCV002729453.1), dbSNP rs548839485, ClinGen allele CA1599621.